The following is an entry in ClinVar:

NM_015650.4(TRAF3IP1):c.415C>T (p.Arg139Trp)

Gene: TRAF3IP1 (TRAF3 interacting protein 1; plus strand). Cytogenetic location: 2q37.3.
Variant type: single nucleotide variant.
Coding change: c.415C>T on transcript NM_015650.4 (MANE Select); coding-DNA position 415, C replaced by T.
Protein change: p.Arg139Trp; replaces arginine 139 with tryptophan.
Molecular consequence: missense variant.
Genome position (GRCh38, 1-based): chr2:238,328,746, C>T. VCF-style: chr2-238328746-C-T. GRCh37 (hg19) VCF-style: chr2-239237387-C-T.
Other names: c.415C>T, p.Arg139Trp (NM_001139490.1); short protein forms R139W.
Identifiers: ClinVar variation 1055804 (VCV001055804.5), dbSNP rs747480411, ClinGen allele CA2198054.
Genomic context (GRCh38, chr2:238,328,746, plus strand): 5'-CTCTCTAGTGACGATGCGGTGCGGAGGGTTTTAGCTGGAGAGAAGGGAGAAGTGAAAGGC[C>T]GGGCCTCACTGACCTCAAGATCTCAGGAATTGGATAATAAGAATGTGCGAGAAGAAGAGT-3'
Protein context (NP_056465.2, residues 129-149): LAGEKGEVKG[Arg139Trp]ASLTSRSQEL

ClinVar aggregate classification (germline): Uncertain significance (1 of 4 stars; one submission).

Allele frequency attached by ClinVar (database versions not stated): ExAC 0.00001; gnomAD 0.00001; gnomAD exomes 0.00001; TOPMed 0.00003.
gnomAD v4.1: 17 of 1,613,742 alleles (0.0011%); highest among the groups gnomAD compares: African/African-American, 0.0027%; no homozygotes.

Submission:

Labcorp Genetics (formerly Invitae), Labcorp
Classification: Uncertain significance. Last evaluated: 2023-11-27. Review status: criteria provided, single submitter. Criteria: Invitae Variant Classification Sherloc (09022015). Collection method: clinical testing. Allele origin: germline.
Comment: This sequence change replaces arginine, which is basic and polar, with tryptophan, which is neutral and slightly polar, at codon 139 of the TRAF3IP1 protein (p.Arg139Trp). This variant is present in population databases (rs747480411, gnomAD 0.006%). This variant has not been reported in the literature in individuals affected with TRAF3IP1-related conditions. ClinVar contains an entry for this variant (Variation ID: 1055804). Advanced modeling of protein sequence and biophysical properties (such as structural, functional, and spatial information, amino acid conservation, physicochemical variation, residue mobility, and thermodynamic stability) performed at Invitae indicates that this missense variant is expected to disrupt TRAF3IP1 protein function with a positive predictive value of 80%. In summary, the available evidence is currently insufficient to determine the role of this variant in disease. Therefore, it has been classified as a Variant of Uncertain Significance.